The following is an entry in ClinVar:

NM_001277115.2(DNAH11):c.5416G>A (p.Asp1806Asn)

Gene: DNAH11 (dynein axonemal heavy chain 11; plus strand). Cytogenetic location: 7p15.3.
Variant type: single nucleotide variant.
Coding change: c.5416G>A on transcript NM_001277115.2 (MANE Select); coding-DNA position 5416, G replaced by A.
Protein change: p.Asp1806Asn; replaces aspartic acid 1806 with asparagine.
Molecular consequence: missense variant.
Genome position (GRCh38, 1-based): chr7:21,681,633, G>A. VCF-style: chr7-21681633-G-A. GRCh37 (hg19) VCF-style: chr7-21721251-G-A.
Other names: short protein forms D1806N.
Identifiers: ClinVar variation 958961 (VCV000958961.8), dbSNP rs768955174, ClinGen allele CA4180400.

ClinVar aggregate classification (germline): Uncertain significance (1 of 4 stars; one submission).

Conditions:
Primary ciliary dyskinesia. Also called: Ciliary dyskinesia. Identifiers: Orphanet 244, MedGen C0008780, MONDO:0016575, HP:0012265.

Allele frequency attached by ClinVar (database versions not stated): gnomAD exomes below 0.00001; ExAC 0.00001.
gnomAD v4.1: 4 of 1,613,890 alleles (0.00025%); highest among the groups gnomAD compares: Admixed American, 0.0017%; no homozygotes.

Submission:

Labcorp Genetics (formerly Invitae), Labcorp
Classification: Uncertain significance for Primary ciliary dyskinesia. Last evaluated: 2021-01-07. Review status: criteria provided, single submitter. Criteria: Invitae Variant Classification Sherloc (09022015). Collection method: clinical testing. Allele origin: germline.
Comment: Algorithms developed to predict the effect of missense changes on protein structure and function are either unavailable or do not agree on the potential impact of this missense change (SIFT: "Tolerated"; PolyPhen-2: "Probably Damaging"; Align-GVGD: "Class C0"). This variant has not been reported in the literature in individuals with DNAH11-related conditions. This variant is present in population databases (rs768955174, ExAC 0.009%). This sequence change replaces aspartic acid with asparagine at codon 1806 of the DNAH11 protein (p.Asp1806Asn). The aspartic acid residue is highly conserved and there is a small physicochemical difference between aspartic acid and asparagine. In summary, the available evidence is currently insufficient to determine the role of this variant in disease. Therefore, it has been classified as a Variant of Uncertain Significance.